The following is an entry in ClinVar:

NM_198253.3(TERT):c.17G>C (p.Arg6Pro)

Genes: TERT (telomerase reverse transcriptase; minus strand), LOC110806263 (TERT 5' regulatory region; plus strand). Cytogenetic location: 5p15.33.
Variant type: single nucleotide variant.
Coding change: c.17G>C on transcript NM_198253.3 (MANE Select); coding-DNA position 17, G replaced by C.
Protein change: p.Arg6Pro; replaces arginine 6 with proline.
Molecular consequence: missense variant. On other transcripts: non-coding transcript variant (2).
Genome position (GRCh38, 1-based): chr5:1,294,973, C>G on the plus strand (G>C on the coding strand, the complement: TERT is on the minus strand). VCF-style: chr5-1294973-C-G. GRCh37 (hg19) VCF-style: chr5-1295088-C-G.
Other names: c.17G>C, p.Arg6Pro (NM_001193376.3); short protein forms R6P.
Identifiers: ClinVar variation 4182794 (VCV004182794.1).
Genomic context (GRCh38, chr5:1,294,973, plus strand): 5'-GTGGCCAGCGGCAGCACCTCGCGGTAGTGGCTGCGCAGCAGGGAGCGCACGGCTCGGCAG[C>G]GGGGAGCGCGCGGCATCGCGGGGGTGGCCGGGGCCAGGGCTTCCCACGTGCGCAGCAGGA-3'
Protein context (NP_937983.2, residues 1-16): MPRAP[Arg6Pro]CRAVRSLLRS

ClinVar aggregate classification (germline): Uncertain significance (1 of 4 stars; one submission).

Conditions:
Dyskeratosis congenita. Identifiers: Orphanet 1775, MedGen C0265965, MONDO:0015780.

Submission:

Ambry Genetics
Classification: Uncertain significance for Dyskeratosis congenita. Last evaluated: 2025-07-17. Review status: criteria provided, single submitter. Criteria: Ambry Variant Classification Scheme 2023. Collection method: clinical testing. Allele origin: germline.
Comment: The p.R6P variant (also known as c.17G>C), located in coding exon 1 of the TERT gene, results from a G to C substitution at nucleotide position 17. The arginine at codon 6 is replaced by proline, an amino acid with dissimilar properties. This amino acid position is conserved. In addition, the in silico prediction for this alteration is inconclusive. Based on the available evidence, the clinical significance of this variant remains unclear.